The following is an entry in ClinVar:

ClinVar aggregate classification (germline): Pathogenic. Review status: criteria provided, multiple submitters, no conflicts (2 of 4 stars). 4 submissions from 4 submitters: Pathogenic (3). 1 of the submissions does not count toward it. Last evaluated 2023-08-01.

Conditions:
Inborn genetic diseases. Identifiers: MedGen C0950123, MeSH D030342.
FLVCR1-related disorders.
Posterior column ataxia-retinitis pigmentosa syndrome (RETSNS). Also called: RETINOPATHY-SENSORY NEUROPATHY SYNDROME. Identifiers: Orphanet 88628, MedGen C1836916, MONDO:0012177, OMIM 609033.

Allele frequency attached by ClinVar (database versions not stated): gnomAD 0.00001; gnomAD exomes 0.00001; TOPMed 0.00001.

Submissions (4):

Blueprint Genetics
Classification: Pathogenic for FLVCR1-related disorders. Last evaluated: 2023-08-01. Review status: criteria provided, single submitter. Criteria: ACMG Guidelines, 2015. Collection method: clinical testing. Allele origin: germline. Affected: yes. Observed: 4 variant alleles.

Labcorp Genetics (formerly Invitae), Labcorp
Classification: Pathogenic. Last evaluated: 2022-11-01. Review status: criteria provided, single submitter. Criteria: Invitae Variant Classification Sherloc (09022015). Collection method: clinical testing. Allele origin: germline.
Comment: For these reasons, this variant has been classified as Pathogenic. This variant disrupts the p.Asn121 amino acid residue in FLVCR1. Other variant(s) that disrupt this residue have been determined to be pathogenic (PMID: 21070897, 22483575, 28559085). This suggests that this residue is clinically significant, and that variants that disrupt this residue are likely to be disease-causing. ClinVar contains an entry for this variant (Variation ID: 521373). Disruption of the initiator codon has been observed in individual(s) with sensory and autonomic neuropathy (PMID: 31408049). It has also been observed to segregate with disease in related individuals. This variant is not present in population databases (gnomAD no frequency). This sequence change affects the initiator methionine of the FLVCR1 mRNA. The next in-frame methionine is located at codon 151.

Ambry Genetics
Classification: Pathogenic for Inborn genetic diseases. Last evaluated: 2016-12-13. Review status: criteria provided, single submitter. Criteria: Ambry exome assertion method (8-5-2015). Collection method: clinical testing. Allele origin: germline. Affected: yes. Observed: 1 variant allele.

OMIM
Classification: Pathogenic for RETINOPATHY-SENSORY NEUROPATHY SYNDROME. Last evaluated: 2025-01-21. Review status: no assertion criteria provided. Collection method: literature only. Allele origin: germline. Not counted in ClinVar's aggregate classification.

Literature cited by the submitters: PubMed 21070897 (cited by Labcorp Genetics (formerly Invitae), Labcorp); PubMed 22483575 (cited by Labcorp Genetics (formerly Invitae), Labcorp); PubMed 28559085 (cited by Labcorp Genetics (formerly Invitae), Labcorp); PubMed 31408049 (cited by Labcorp Genetics (formerly Invitae), Labcorp); PubMed 32822874 (cited by OMIM).

NM_014053.4(FLVCR1):c.3G>T (p.Met1Ile)

Gene: FLVCR1 (FLVCR choline and heme transporter 1; plus strand). Cytogenetic location: 1q32.3.
Variant type: single nucleotide variant.
Coding change: c.3G>T on transcript NM_014053.4 (MANE Select); coding-DNA position 3, G replaced by T.
Protein change: p.Met1Ile; changes the start codon (methionine 1).
Molecular consequence: missense variant, initiator codon variant.
Genome position (GRCh38, 1-based): chr1:212,858,455, G>T. VCF-style: chr1-212858455-G-T. GRCh37 (hg19) VCF-style: chr1-213031797-G-T.
Other names: short protein forms M1I.
Identifiers: ClinVar variation 521373 (VCV000521373.16), dbSNP rs899735028, ClinGen allele CA36896312.